The following is an entry in ClinVar:

NM_001358530.2(MOCS1):c.664C>T (p.Arg222Ter)

Gene: MOCS1 (molybdenum cofactor synthesis 1; minus strand). Cytogenetic location: 6p21.2.
Variant type: single nucleotide variant.
Coding change: c.664C>T on transcript NM_001358530.2 (MANE Select); coding-DNA position 664, C replaced by T.
Protein change: p.Arg222Ter; replaces arginine 222 with a stop codon.
Molecular consequence: nonsense. On other transcripts: non-coding transcript variant (1).
Genome position (GRCh38, 1-based): chr6:39,913,410, G>A on the plus strand (C>T on the coding strand, the complement: MOCS1 is on the minus strand). VCF-style: chr6-39913410-G-A. GRCh37 (hg19) VCF-style: chr6-39881154-G-A.
Other names: c.664C>T, p.Arg222Ter (NM_001075098.4, NM_001358529.2, NM_005943.6); c.403C>T, p.Arg135Ter (NM_001358531.2, NM_001358533.2, NM_001358534.2); c.664C>T (NM_005943.5); short protein forms R135*, R222*.
Identifiers: ClinVar variation 2676644 (VCV002676644.4), dbSNP rs1266681695, ClinGen allele CA364044030.

ClinVar aggregate classification (germline): Pathogenic/Likely pathogenic. Review status: criteria provided, multiple submitters, no conflicts (2 of 4 stars). 3 submissions from 3 submitters: Pathogenic (2); Likely pathogenic (1). Last evaluated 2024-08-22.

Conditions:
Sulfite oxidase deficiency due to molybdenum cofactor deficiency type A. Also called: Molybdenum Cofactor Deficiency A; Molybdenum cofactor deficiency, complementation group A. Identifiers: Orphanet 308386, Orphanet 833, MedGen C1854988, MONDO:0009643, OMIM 252150.

Allele frequency attached by ClinVar (database versions not stated): gnomAD exomes below 0.00001; gnomAD 0.00001; TOPMed 0.00001.
gnomAD v4.1: 5 of 1,614,026 alleles (0.00031%); highest among the groups gnomAD compares: African/African-American, 0.0013%; no homozygotes.

Submissions (3):

GeneDx
Classification: Pathogenic. Last evaluated: 2024-08-22. Review status: criteria provided, single submitter. Criteria: GeneDx Variant Classification Process June 2021. Collection method: clinical testing. Allele origin: germline. Affected: yes.
Comment: Nonsense variant predicted to result in protein truncation or nonsense mediated decay in a gene for which loss of function is a known mechanism of disease; Not observed at significant frequency in large population cohorts (gnomAD); Identified in a cohort with molybdenum cofactor deficiency in published literature but additional evidence is not available (PMID: 21031595); This variant is associated with the following publications: (PMID: 25525159, Chandran2021[article], 21031595)

Baylor Genetics
Classification: Likely pathogenic for Sulfite oxidase deficiency due to molybdenum cofactor deficiency type A. Last evaluated: 2023-08-28. Review status: criteria provided, single submitter. Criteria: ACMG Guidelines, 2015. Collection method: clinical testing. Allele origin: unknown.

Labcorp Genetics (formerly Invitae), Labcorp
Classification: Pathogenic for Sulfite oxidase deficiency due to molybdenum cofactor deficiency type A. Last evaluated: 2023-04-02. Review status: criteria provided, single submitter. Criteria: Invitae Variant Classification Sherloc (09022015). Collection method: clinical testing. Allele origin: germline.
Comment: This sequence change creates a premature translational stop signal (p.Arg222*) in the MOCS1 gene. It is expected to result in an absent or disrupted protein product. Loss-of-function variants in MOCS1 are known to be pathogenic (PMID: 12754701, 16021469). This variant is present in population databases (no rsID available, gnomAD 0.0009%). This premature translational stop signal has been observed in individual(s) with molybdenum cofactor deficiency (PMID: 21031595). For these reasons, this variant has been classified as Pathogenic.

Literature cited by the submitters: PubMed 12754701 (cited by Labcorp Genetics (formerly Invitae), Labcorp); PubMed 16021469 (cited by Labcorp Genetics (formerly Invitae), Labcorp); PubMed 21031595 (cited by Labcorp Genetics (formerly Invitae), Labcorp).